The following is an entry in ClinVar:

NM_005045.4(RELN):c.6047A>G (p.Asn2016Ser)

Gene: RELN (reelin; minus strand). Cytogenetic location: 7q22.1.
Variant type: single nucleotide variant.
Coding change: c.6047A>G on transcript NM_005045.4 (MANE Select); coding-DNA position 6047, A replaced by G.
Protein change: p.Asn2016Ser; replaces asparagine 2016 with serine.
Molecular consequence: missense variant.
Genome position (GRCh38, 1-based): chr7:103,553,486, T>C on the plus strand (A>G on the coding strand, the complement: RELN is on the minus strand). VCF-style: chr7-103553486-T-C. GRCh37 (hg19) VCF-style: chr7-103193933-T-C.
Other names: c.6047A>G, p.Asn2016Ser (NM_173054.3); short protein forms N2016S.
Identifiers: ClinVar variation 3026753 (VCV003026753.22), dbSNP rs1486053974, ClinGen allele CA368739397.

ClinVar aggregate classification (germline): Uncertain significance (1 of 4 stars; one submission).

Allele frequency attached by ClinVar (database versions not stated): gnomAD exomes below 0.00001.
gnomAD v4.1: 1 of 1,613,748 alleles (0.000062%); highest among the groups gnomAD compares: South Asian, 0.0011%; no homozygotes.

Submission:

CeGaT Center for Human Genetics Tuebingen
Classification: Uncertain significance. Last evaluated: 2023-12-01. Review status: criteria provided, single submitter. Criteria: CeGaT Center For Human Genetics Tuebingen Variant Classification Criteria Version 2. Collection method: clinical testing. Allele origin: germline. Affected: yes. Observed: 1 variant allele.
Comment: RELN: PM2